The following is an entry in ClinVar:

ClinVar aggregate classification (germline): Uncertain significance. Review status: criteria provided, multiple submitters, no conflicts (2 of 4 stars). 4 submissions from 4 submitters: Uncertain significance (4). Last evaluated 2026-08-17.

Conditions:
Hereditary nonpolyposis colorectal neoplasms. Identifiers: MedGen C0009405, MeSH D003123.
Hereditary cancer-predisposing syndrome. Also called: Neoplastic Syndromes, Hereditary; Hereditary Cancer Syndrome; Hereditary neoplastic syndrome; Tumor predisposition. Identifiers: Orphanet 140162, MedGen C0027672, MeSH D009386, MONDO:0015356.

Allele frequency attached by ClinVar (database versions not stated): gnomAD exomes below 0.00001; TOPMed below 0.00001; ExAC 0.00001; gnomAD 0.00001.
gnomAD v4.1: 2 of 1,613,944 alleles (0.00012%); highest among the groups gnomAD compares: Non-Finnish European, 0.00017%; no homozygotes.

Submissions (4):

Ambry Genetics
Classification: Uncertain significance for Hereditary cancer-predisposing syndrome. Last evaluated: 2026-08-17. Review status: criteria provided, single submitter. Criteria: Ambry Variant Classification Scheme 2023. Collection method: clinical testing. Allele origin: germline.
Comment: The p.A626T variant (also known as c.1876G>A), located in coding exon 11 of the PMS2 gene, results from a G to A substitution at nucleotide position 1876. The alanine at codon 626 is replaced by threonine, an amino acid with similar properties. This amino acid position is conserved. In addition, this alteration is predicted to be tolerated by in silico analysis. Based on the available evidence, the clinical significance of this variant remains unclear.

Labcorp Genetics (formerly Invitae), Labcorp
Classification: Uncertain significance for Hereditary nonpolyposis colorectal neoplasms. Last evaluated: 2026-01-26. Review status: criteria provided, single submitter. Criteria: Invitae Variant Classification Sherloc (09022015). Collection method: clinical testing. Allele origin: germline.
Comment: This sequence change replaces alanine, which is neutral and non-polar, with threonine, which is neutral and polar, at codon 626 of the PMS2 protein (p.Ala626Thr). This variant is present in population databases (rs587779331, gnomAD 0.0009%). This variant has not been reported in the literature in individuals affected with PMS2-related conditions. ClinVar contains an entry for this variant (Variation ID: 574850). Invitae Evidence Modeling incorporating data from in vitro experimental studies (internal data) indicates that this missense variant is not expected to disrupt PMS2 function with a negative predictive value of 95%. In summary, the available evidence is currently insufficient to determine the role of this variant in disease. Therefore, it has been classified as a Variant of Uncertain Significance.

Hereditary Cancer Laboratory, Hospital Universitario 12 de Octubre
Classification: Uncertain significance for Hereditary cancer-predisposing syndrome. Last evaluated: 2025-04-14. Review status: criteria provided, single submitter. Criteria: ACMG Guidelines, 2015. Collection method: clinical testing. Allele origin: germline.
Comment: PM2+BP4

Color Diagnostics, LLC DBA Color Health
Classification: Uncertain significance for Hereditary cancer-predisposing syndrome. Last evaluated: 2024-03-06. Review status: criteria provided, single submitter. Criteria: ACMG Guidelines, 2015. Collection method: clinical testing. Allele origin: germline.
Comment: This missense variant replaces alanine with threonine at codon 626 of the PMS2 protein. Computational prediction suggests that this variant may not impact protein structure and function (internally defined REVEL score threshold <= 0.5, PMID: 27666373). To our knowledge, functional studies have not been reported for this variant. This variant has not been reported in individuals affected with hereditary cancer in the literature. This variant has been identified in 1/251442 chromosomes in the general population by the Genome Aggregation Database (gnomAD). The available evidence is insufficient to determine the role of this variant in disease conclusively. Therefore, this variant is classified as a Variant of Uncertain Significance.

NM_000535.7(PMS2):c.1876G>A (p.Ala626Thr)

Gene: PMS2 (PMS1 homolog 2, mismatch repair system component; minus strand). Cytogenetic location: 7p22.1.
Variant type: single nucleotide variant.
Coding change: c.1876G>A on transcript NM_000535.7 (MANE Select); coding-DNA position 1876, G replaced by A.
Protein change: p.Ala626Thr; replaces alanine 626 with threonine.
Molecular consequence: missense variant. On other transcripts: non-coding transcript variant (1).
Genome position (GRCh38, 1-based): chr7:5,986,889, C>T on the plus strand (G>A on the coding strand, the complement: PMS2 is on the minus strand). VCF-style: chr7-5986889-C-T. GRCh37 (hg19) VCF-style: chr7-6026520-C-T.
Other names: c.943G>A, p.Ala315Thr (NM_001322011.2, NM_001322012.2); c.1303G>A, p.Ala435Thr (NM_001322013.2); c.1876G>A, p.Ala626Thr (NM_001322014.2); c.1567G>A, p.Ala523Thr (NM_001322015.2); c.1471G>A, p.Ala491Thr (NM_001322003.2, NM_001322004.2, NM_001322005.2 and 1 more transcripts); c.1720G>A, p.Ala574Thr (NM_001322006.2); c.1558G>A, p.Ala520Thr (NM_001322007.2, NM_001322008.2); c.1315G>A, p.Ala439Thr (NM_001322010.2); short protein forms A626T, A520T, A523T, A315T, A491T, A574T, A435T, A439T.
Identifiers: ClinVar variation 574850 (VCV000574850.14), dbSNP rs587779331, ClinGen allele CA045730.